The following is an entry in ClinVar:

ClinVar aggregate classification (germline): Uncertain significance (1 of 4 stars; one submission).

gnomAD v4.1: 31 of 1,612,644 alleles (0.0019%); highest among the groups gnomAD compares: African/African-American, 0.016%; no homozygotes.

Submission:

Mayo Clinic Laboratories, Mayo Clinic
Classification: Uncertain significance. Last evaluated: 2025-12-06. Review status: criteria provided, single submitter. Criteria: ACMG Guidelines, 2015. Collection method: clinical testing. Allele origin: germline. Observed: 1 variant allele.
Comment: BP4_moderate

NM_144585.4(SLC22A12):c.338C>T (p.Thr113Met)

Gene: SLC22A12 (solute carrier family 22 member 12; plus strand). Cytogenetic location: 11q13.1.
Variant type: single nucleotide variant.
Coding change: c.338C>T on transcript NM_144585.4 (MANE Select); coding-DNA position 338, C replaced by T.
Protein change: p.Thr113Met; replaces threonine 113 with methionine.
Molecular consequence: missense variant. On other transcripts: 5 prime UTR variant (1).
Genome position (GRCh38, 1-based): chr11:64,591,894, C>T. VCF-style: chr11-64591894-C-T. GRCh37 (hg19) VCF-style: chr11-64359366-C-T.
Other names: p.Thr113Met; c.338C>T, p.Thr113Met (NM_001276326.2, NM_001276327.2); c.-171C>T (NM_153378.3); short protein forms T113M.
Identifiers: ClinVar variation 4541628 (VCV004541628.1).